The following is an entry in ClinVar:

NM_000138.5(FBN1):c.6394A>G (p.Lys2132Glu)

Gene: FBN1 (fibrillin 1; minus strand). Cytogenetic location: 15q21.1.
Variant type: single nucleotide variant.
Coding change: c.6394A>G on transcript NM_000138.5 (MANE Select); coding-DNA position 6394, A replaced by G.
Protein change: p.Lys2132Glu; replaces lysine 2132 with glutamic acid.
Molecular consequence: missense variant.
Genome position (GRCh38, 1-based): chr15:48,437,063, T>C on the plus strand (A>G on the coding strand, the complement: FBN1 is on the minus strand). VCF-style: chr15-48437063-T-C. GRCh37 (hg19) VCF-style: chr15-48729260-T-C.
Other names: c.6394A>G, p.Lys2132Glu (NM_001406716.1); short protein forms K2132E.
Identifiers: ClinVar variation 2925771 (VCV002925771.4), dbSNP rs2505436012, ClinGen allele CA392336685.

ClinVar aggregate classification (germline): Uncertain significance. Review status: criteria provided, multiple submitters, no conflicts (2 of 4 stars). 2 submissions from 2 submitters: Uncertain significance (2). Last evaluated 2024-11-13.

Conditions:
Marfan syndrome (MFS). Also called: MARFAN SYNDROME, TYPE I; Marfan syndrome type 1; Marfan's syndrome; Marfan syndrome, classic; FBN1-Related Marfan Syndrome. Identifiers: Orphanet 284963, Orphanet 558, MedGen C0024796, MONDO:0007947, OMIM 154700.
Familial thoracic aortic aneurysm and aortic dissection (TAAD). Also called: Thoracic aortic aneurysms and dissections. Identifiers: Orphanet 91387, MedGen C4707243, MONDO:0019625.

Allele frequency attached by ClinVar (database versions not stated): gnomAD exomes below 0.00001.
gnomAD v4.1: 1 of 1,611,774 alleles (0.000062%); highest among the groups gnomAD compares: Non-Finnish European, 0.000085%; no homozygotes.

Submissions (2):

Color Diagnostics, LLC DBA Color Health
Classification: Uncertain significance for Familial thoracic aortic aneurysm and aortic dissection. Last evaluated: 2024-11-13. Review status: criteria provided, single submitter. Criteria: ACMG Guidelines, 2015. Collection method: clinical testing. Allele origin: germline.
Comment: This missense variant replaces lysine with glutamic acid at codon 2132 of the FBN1 protein. Computational prediction suggests that this variant may not impact protein structure and function (internally defined REVEL score threshold <= 0.5, PMID: 27666373). To our knowledge, functional studies have not been reported for this variant. This variant has not been reported in individuals affected with FBN1-related disorders in the literature. This variant has not been identified in the general population by the Genome Aggregation Database (gnomAD). The available evidence is insufficient to determine the role of this variant in disease conclusively. Therefore, this variant is classified as a Variant of Uncertain Significance.

Labcorp Genetics (formerly Invitae), Labcorp
Classification: Uncertain significance for Marfan syndrome; Familial thoracic aortic aneurysm and aortic dissection. Last evaluated: 2024-03-31. Review status: criteria provided, single submitter. Criteria: Invitae Variant Classification Sherloc (09022015). Collection method: clinical testing. Allele origin: germline.
Comment: This sequence change replaces lysine, which is basic and polar, with glutamic acid, which is acidic and polar, at codon 2132 of the FBN1 protein (p.Lys2132Glu). This variant is not present in population databases (gnomAD no frequency). This variant has not been reported in the literature in individuals affected with FBN1-related conditions. Advanced modeling of protein sequence and biophysical properties (such as structural, functional, and spatial information, amino acid conservation, physicochemical variation, residue mobility, and thermodynamic stability) performed at Invitae indicates that this missense variant is not expected to disrupt FBN1 protein function with a negative predictive value of 95%. In summary, the available evidence is currently insufficient to determine the role of this variant in disease. Therefore, it has been classified as a Variant of Uncertain Significance.